The following is an entry in ClinVar:

NM_005186.4(CAPN1):c.407del (p.Pro136fs)

Gene: CAPN1 (calpain 1; plus strand). Cytogenetic location: 11q13.1.
Variant type: Deletion.
Coding change: c.407del on transcript NM_005186.4 (MANE Select); coding-DNA position 407, one base deleted (C; older notation c.407delC).
Protein change: p.Pro136fs; shifts the reading frame from proline 136.
Molecular consequence: frameshift variant. On other transcripts: non-coding transcript variant (1).
Genome position (GRCh38, 1-based): chr11:65,183,543, C deleted; the last of 2 consecutive C bases (chr11:65,183,542-65,183,543); deleting either gives the same sequence. VCF-style (leftmost placement, unchanged base first): chr11-65183541-TC-T. GRCh37 (hg19) VCF-style: chr11-64951012-TC-T.
Other names: c.407del (NM_001198868.1); c.407del, p.Pro136fs (NM_001198868.2, NM_001198869.2); short protein forms P136fs.
Identifiers: ClinVar variation 225767 (VCV000225767.3), dbSNP rs875989845, ClinGen allele CA10576097.
Genomic context (GRCh38, chr11:65,183,541, plus strand): 5'-CTGGCTCTTGGCGGCCATCGCCTCCCTCACTCTCAACGACACCCTCCTGCACCGAGTGGT[TC>T]CGCACGGCCAGAGCTTCCAGAATGGCTATGCCGGCATCTTCCATTTCCAGGTGAGGGCTC-3'

ClinVar aggregate classification (germline): Pathogenic. Review status: criteria provided, single submitter (1 of 4 stars). 2 submissions from 2 submitters: Pathogenic (1). 1 of the submissions does not count toward it. Last evaluated 2026-02-01.

Conditions:
Autosomal recessive spastic paraplegia type 76. Identifiers: Orphanet 488594, MedGen C5567483, MONDO:0014827, OMIM 616907.

Submissions (2):

GeneDx
Classification: Pathogenic. Last evaluated: 2026-02-01. Review status: criteria provided, single submitter. Criteria: GeneDx Variant Classification Process June 2021. Collection method: clinical testing. Allele origin: germline.
Comment: Frameshift variant predicted to result in protein truncation or nonsense mediated decay in a gene for which loss-of-function is a known mechanism of disease; Not observed at significant frequency in large population cohorts (gnomAD); This variant is associated with the following publications: (PMID: 30572172, 27153400, 31355030)

OMIM
Classification: Pathogenic for SPASTIC PARAPLEGIA 76, AUTOSOMAL RECESSIVE. Last evaluated: 2016-05-09. Review status: no assertion criteria provided. Collection method: literature only. Allele origin: germline. Not counted in ClinVar's aggregate classification.

Literature cited by the submitters: PubMed 27153400 (cited by OMIM).